The following is an entry in ClinVar:

NM_005428.4(VAV1):c.1536C>T (p.Thr512=)

Gene: VAV1 (vav guanine nucleotide exchange factor 1; plus strand). Cytogenetic location: 19p13.3.
Variant type: single nucleotide variant.
Coding change: c.1536C>T on transcript NM_005428.4 (MANE Select); coding-DNA position 1536, C replaced by T.
Protein change: p.Thr512=; no amino-acid change (threonine 512 retained).
Molecular consequence: synonymous variant.
Genome position (GRCh38, 1-based): chr19:6,833,211, C>T. VCF-style: chr19-6833211-C-T. GRCh37 (hg19) VCF-style: chr19-6833222-C-T.
Other names: c.1536C>T, p.Thr512= (NM_001258206.2); c.1440C>T, p.Thr480= (NM_001258207.2).
Identifiers: ClinVar variation 440403 (VCV000440403.36), dbSNP rs200254050, ClinGen allele CA9132622.

ClinVar aggregate classification (germline): Benign/Likely benign. Review status: criteria provided, multiple submitters, no conflicts (2 of 4 stars). 3 submissions from 3 submitters: Benign (1); Likely benign (2). Last evaluated 2025-10-07.

Allele frequency attached by ClinVar (database versions not stated): ExAC 0.00007; ESP Exome Variant Server 0.00008; gnomAD exomes 0.00011 and 0.00027; 1000 Genomes Project 30x 0.00016; TOPMed 0.00017; gnomAD 0.00018 and 0.00020; 1000 Genomes Project 0.00020.
gnomAD v4.1: 421 of 1,612,718 alleles (0.026%); highest among the groups gnomAD compares: East Asian, 0.049%; no homozygotes.

Submissions (3):

Labcorp Genetics (formerly Invitae), Labcorp
Classification: Likely benign. Last evaluated: 2025-10-07. Review status: criteria provided, single submitter. Criteria: Invitae Variant Classification Sherloc (09022015). Collection method: clinical testing. Allele origin: germline.

CeGaT Center for Human Genetics Tuebingen
Classification: Likely benign. Last evaluated: 2024-04-01. Review status: criteria provided, single submitter. Criteria: CeGaT Center For Human Genetics Tuebingen Variant Classification Criteria Version 2. Collection method: clinical testing. Allele origin: germline. Affected: yes. Observed: 1 variant allele.
Comment: VAV1: BP4, BP7

ARUP Laboratories, Molecular Genetics and Genomics, ARUP Laboratories
Classification: Benign. Last evaluated: 2017-03-29. Review status: criteria provided, single submitter. Criteria: ARUP Molecular Germline Variant Investigation Process. Collection method: clinical testing. Allele origin: germline.